The following is an entry in ClinVar:

NM_007315.4(STAT1):c.634-13C>T

Gene: STAT1 (signal transducer and activator of transcription 1; minus strand). Cytogenetic location: 2q32.2.
Variant type: single nucleotide variant.
Coding change: c.634-13C>T on transcript NM_007315.4 (MANE Select); 13 bases into the intron before coding-DNA position 634, C replaced by T.
Molecular consequence: intron variant.
Genome position (GRCh38, 1-based): chr2:190,998,020, G>A on the plus strand (C>T on the coding strand, the complement: STAT1 is on the minus strand). VCF-style: chr2-190998020-G-A. GRCh37 (hg19) VCF-style: chr2-191862746-G-A.
Other names: c.544-13C>T (NM_001384890.1); c.535-13C>T (NM_001384883.1); c.634-13C>T (NM_001384885.1, NM_001384887.1, NM_001384880.1 and 5 more transcripts); c.670-13C>T (NM_001384891.1); c.640-13C>T (NM_001384884.1, NM_001384881.1).
Identifiers: ClinVar variation 333288 (VCV000333288.15), dbSNP rs200380549, ClinGen allele CA2030169.

ClinVar aggregate classification (germline): Benign/Likely benign. Review status: criteria provided, multiple submitters, no conflicts (2 of 4 stars). 4 submissions from 4 submitters: Benign (3); Likely benign (1). Last evaluated 2026-01-26.

Conditions:
Immunodeficiency 31B. Also called: STAT1 DEFICIENCY, AUTOSOMAL RECESSIVE; IMMUNODEFICIENCY 31B, MYCOBACTERIAL AND VIRAL INFECTIONS, AUTOSOMAL RECESSIVE. Identifiers: Orphanet 391311, MedGen C3151088, MONDO:0013427, OMIM 613796.
Autoimmune enteropathy and endocrinopathy - susceptibility to chronic infections syndrome. Also called: Immunodeficiency 31C; Immunodeficiency 31C, autosomal dominant. Identifiers: Orphanet 391487, MedGen C3279990, MONDO:0013599, OMIM 614162.
Mendelian susceptibility to mycobacterial diseases due to partial STAT1 deficiency. Also called: IMMUNODEFICIENCY 31A, MYCOBACTERIOSIS, AUTOSOMAL DOMINANT; STAT1 DEFICIENCY, AUTOSOMAL DOMINANT; Immunodeficiency 31a. Identifiers: Orphanet 319595, MedGen C4013950, MONDO:0013956, OMIM 614892.

Allele frequency attached by ClinVar (database versions not stated): 1000 Genomes Project 30x 0.00016; 1000 Genomes Project 0.00020; ESP Exome Variant Server 0.00023; gnomAD exomes 0.00033 and 0.00067; ExAC 0.00050; gnomAD 0.00050; TOPMed 0.00054.
gnomAD v4.1: 604 of 1,613,820 alleles (0.037%); highest among the groups gnomAD compares: Middle Eastern, 0.099%; 2 homozygotes.

Submissions (4):

Labcorp Genetics (formerly Invitae), Labcorp
Classification: Benign for Mendelian susceptibility to mycobacterial diseases due to partial STAT1 deficiency; Immunodeficiency 31B; Autoimmune enteropathy and endocrinopathy - susceptibility to chronic infections syndrome. Last evaluated: 2026-01-26. Review status: criteria provided, single submitter. Criteria: Invitae Variant Classification Sherloc (09022015). Collection method: clinical testing. Allele origin: germline.

Blueprint Genetics
Classification: Likely benign. Last evaluated: 2024-11-26. Review status: criteria provided, single submitter. Criteria: ACMG Guidelines, 2015. Collection method: clinical testing. Allele origin: germline.

Illumina Laboratory Services, Illumina
Classification: Benign for Mendelian susceptibility to mycobacterial diseases due to partial STAT1 deficiency. Last evaluated: 2018-01-13. Review status: criteria provided, single submitter. Criteria: ICSL Variant Classification Criteria 13 December 2019. Collection method: clinical testing. Allele origin: germline.
Comment: This variant was observed in the ICSL laboratory as part of a predisposition screen in an ostensibly healthy population. It had not been previously curated by ICSL or reported in the Human Gene Mutation Database (HGMD: prior to June 1st, 2018), and was therefore a candidate for classification through an automated scoring system. Utilizing variant allele frequency, disease prevalence and penetrance estimates, and inheritance mode, an automated score was calculated to assess if this variant is too frequent to cause the disease. Based on the score and internal cut-off values, a variant classified as benign is not then subjected to further curation. The score for this variant resulted in a classification of benign for this disease.

Breakthrough Genomics
Classification: Benign. Review status: criteria provided, single submitter. Criteria: ACMG Guidelines, 2015. Collection method: not provided. Allele origin: germline. Inheritance: Autosomal recessive inheritance. Affected: yes.